The following is an entry in ClinVar:

ClinVar aggregate classification (germline): Uncertain significance (1 of 4 stars; one submission).

Conditions:
Juvenile polyposis syndrome (JPS). Identifiers: Orphanet 2929, MedGen C0345893, MONDO:0017380, OMIM 174900.

Submission:

Labcorp Genetics (formerly Invitae), Labcorp
Classification: Uncertain significance for Juvenile polyposis syndrome. Last evaluated: 2024-06-02. Review status: criteria provided, single submitter. Criteria: Invitae Variant Classification Sherloc (09022015). Collection method: clinical testing. Allele origin: germline.
Comment: This sequence change replaces arginine, which is basic and polar, with leucine, which is neutral and non-polar, at codon 486 of the BMPR1A protein (p.Arg486Leu). This variant is not present in population databases (gnomAD no frequency). This variant has not been reported in the literature in individuals affected with BMPR1A-related conditions. Advanced modeling of protein sequence and biophysical properties (such as structural, functional, and spatial information, amino acid conservation, physicochemical variation, residue mobility, and thermodynamic stability) performed at Invitae indicates that this missense variant is not expected to disrupt BMPR1A protein function with a negative predictive value of 80%. In summary, the available evidence is currently insufficient to determine the role of this variant in disease. Therefore, it has been classified as a Variant of Uncertain Significance.

NM_004329.3(BMPR1A):c.1457G>T (p.Arg486Leu)

Gene: BMPR1A (bone morphogenetic protein receptor type 1A; plus strand). Cytogenetic location: 10q23.2.
Variant type: single nucleotide variant.
Coding change: c.1457G>T on transcript NM_004329.3 (MANE Select); coding-DNA position 1457, G replaced by T.
Protein change: p.Arg486Leu; replaces arginine 486 with leucine.
Molecular consequence: missense variant. On other transcripts: non-coding transcript variant (3).
Genome position (GRCh38, 1-based): chr10:86,923,490, G>T. VCF-style: chr10-86923490-G-T. GRCh37 (hg19) VCF-style: chr10-88683247-G-T.
Other names: c.1457G>T, p.Arg486Leu (NM_001406575.1, NM_001406576.1, NM_001406577.1 and 19 more transcripts); c.1451G>T, p.Arg484Leu (NM_001406583.1); c.1373G>T, p.Arg458Leu (NM_001406584.1, NM_001406585.1, NM_001406586.1 and 2 more transcripts); c.1532G>T, p.Arg511Leu (NM_001406559.1); c.1505G>T, p.Arg502Leu (NM_001406560.1); c.1115G>T, p.Arg372Leu (NM_001406589.1); short protein forms R484L, R372L, R486L, R502L, R458L, R511L.
Identifiers: ClinVar variation 3649288 (VCV003649288.2).